The following is an entry in ClinVar:

ClinVar aggregate classification (germline): Uncertain significance (1 of 4 stars; one submission).

Submission:

GeneDx
Classification: Uncertain significance. Last evaluated: 2023-01-24. Review status: criteria provided, single submitter. Criteria: GeneDx Variant Classification Process June 2021. Collection method: clinical testing. Allele origin: germline. Affected: yes.
Comment: Not observed at significant frequency in large population cohorts (gnomAD); In silico analysis supports that this missense variant does not alter protein structure/function; Has not been previously published as pathogenic or benign to our knowledge

NM_001378120.1(MBD5):c.1276G>C (p.Val426Leu)

Gene: MBD5 (methyl-CpG binding domain protein 5; plus strand). Cytogenetic location: 2q23.1.
Variant type: single nucleotide variant.
Coding change: c.1276G>C on transcript NM_001378120.1 (MANE Select); coding-DNA position 1276, G replaced by C.
Protein change: p.Val426Leu; replaces valine 426 with leucine.
Molecular consequence: missense variant.
Genome position (GRCh38, 1-based): chr2:148,469,219, G>C. VCF-style: chr2-148469219-G-C. GRCh37 (hg19) VCF-style: chr2-149226788-G-C.
Other names: c.1276G>C, p.Val426Leu (NM_018328.5); short protein forms V426L.
Identifiers: ClinVar variation 2574293 (VCV002574293.1), dbSNP rs2469863360, ClinGen allele CA348719354.